The following is an entry in ClinVar:

NM_004035.7(ACOX1):c.1556C>A (p.Thr519Asn)

Gene: ACOX1 (acyl-CoA oxidase 1; minus strand). Cytogenetic location: 17q25.1.
Variant type: single nucleotide variant.
Coding change: c.1556C>A on transcript NM_004035.7 (MANE Select); coding-DNA position 1556, C replaced by A.
Protein change: p.Thr519Asn; replaces threonine 519 with asparagine.
Molecular consequence: missense variant.
Genome position (GRCh38, 1-based): chr17:75,949,523, G>T on the plus strand (C>A on the coding strand, the complement: ACOX1 is on the minus strand). VCF-style: chr17-75949523-G-T. GRCh37 (hg19) VCF-style: chr17-73945604-G-T.
Other names: c.1442C>A, p.Thr481Asn (NM_001185039.2); c.1556C>A, p.Thr519Asn (NM_007292.6); short protein forms T481N, T519N.
Identifiers: ClinVar variation 1927540 (VCV001927540.5), dbSNP rs758791373, ClinGen allele CA294106172.

ClinVar aggregate classification (germline): Uncertain significance (1 of 4 stars; one submission).

Conditions:
Acyl-CoA oxidase deficiency. Also called: Peroxisomal acyl-CoA oxidase deficiency; STRAIGHT-CHAIN ACYL-CoA OXIDASE DEFICIENCY; Pseudoneonatal adrenoleukodystrophy. Identifiers: Orphanet 2971, MedGen C1849678, MONDO:0009919, OMIM 264470. Disease mechanism: loss of function.

Allele frequency attached by ClinVar (database versions not stated): gnomAD exomes below 0.00001.

Submission:

Labcorp Genetics (formerly Invitae), Labcorp
Classification: Uncertain significance for Acyl-CoA oxidase deficiency. Last evaluated: 2023-11-27. Review status: criteria provided, single submitter. Criteria: Invitae Variant Classification Sherloc (09022015). Collection method: clinical testing. Allele origin: germline.
Comment: This sequence change replaces threonine, which is neutral and polar, with asparagine, which is neutral and polar, at codon 519 of the ACOX1 protein (p.Thr519Asn). This variant is not present in population databases (gnomAD no frequency). This variant has not been reported in the literature in individuals affected with ACOX1-related conditions. ClinVar contains an entry for this variant (Variation ID: 1927540). Advanced modeling of protein sequence and biophysical properties (such as structural, functional, and spatial information, amino acid conservation, physicochemical variation, residue mobility, and thermodynamic stability) performed at Invitae indicates that this missense variant is not expected to disrupt ACOX1 protein function with a negative predictive value of 80%. In summary, the available evidence is currently insufficient to determine the role of this variant in disease. Therefore, it has been classified as a Variant of Uncertain Significance.